The following is an entry in ClinVar:

ClinVar aggregate classification (germline): Likely benign (0 of 4 stars; one submission).

Conditions:
AFF4-related disorder. Also called: AFF4-related condition.

Submission:

PreventionGenetics, part of Exact Sciences
Classification: Likely benign for AFF4-related condition. Last evaluated: 2019-06-06. Review status: no assertion criteria provided. Collection method: clinical testing. Allele origin: germline.
Comment: This variant is classified as likely benign based on ACMG/AMP sequence variant interpretation guidelines (Richards et al. 2015 PMID: 25741868, with internal and published modifications).

NM_014423.4(AFF4):c.919-4C>T

Gene: AFF4 (ALF transcription elongation factor 4; minus strand). Cytogenetic location: 5q31.1.
Variant type: single nucleotide variant.
Coding change: c.919-4C>T on transcript NM_014423.4 (MANE Select); 4 bases into the intron before coding-DNA position 919, C replaced by T.
Molecular consequence: intron variant.
Genome position (GRCh38, 1-based): chr5:132,932,226, G>A on the plus strand (C>T on the coding strand, the complement: AFF4 is on the minus strand). VCF-style: chr5-132932226-G-A. GRCh37 (hg19) VCF-style: chr5-132267918-G-A.
Identifiers: ClinVar variation 3044312 (VCV003044312.2), dbSNP rs750031934, ClinGen allele CA2740094082.